The following is an entry in ClinVar:

ClinVar aggregate classification (germline): Benign (0 of 4 stars; one submission).

Conditions:
GPR160-related disorder. Also called: GPR160-related condition.

Allele frequency attached by ClinVar (database versions not stated): TOPMed 0.00009; gnomAD 0.00064; gnomAD exomes 0.00086; ExAC 0.00204; 1000 Genomes Project 0.00339; 1000 Genomes Project 30x 0.00375.
gnomAD v4.1: 1,313 of 1,578,902 alleles (0.083%); highest among the groups gnomAD compares: South Asian, 1.5%; 21 homozygotes.

Submission:

PreventionGenetics, part of Exact Sciences
Classification: Benign for GPR160-related condition. Last evaluated: 2019-05-28. Review status: no assertion criteria provided. Collection method: clinical testing. Allele origin: germline.
Comment: This variant is classified as benign based on ACMG/AMP sequence variant interpretation guidelines (Richards et al. 2015 PMID: 25741868, with internal and published modifications).

NM_014373.3(GPR160):c.64C>A (p.Leu22Ile)

Gene: GPR160 (G protein-coupled receptor 160; plus strand). Cytogenetic location: 3q26.2.
Variant type: single nucleotide variant.
Coding change: c.64C>A on transcript NM_014373.3 (MANE Select); coding-DNA position 64, C replaced by A.
Protein change: p.Leu22Ile; replaces leucine 22 with isoleucine.
Molecular consequence: missense variant.
Genome position (GRCh38, 1-based): chr3:170,084,036, C>A. VCF-style: chr3-170084036-C-A. GRCh37 (hg19) VCF-style: chr3-169801824-C-A.
Other names: short protein forms L22I.
Identifiers: ClinVar variation 3038858 (VCV003038858.2), dbSNP rs200182513, ClinGen allele CA2699366.